The following is an entry in ClinVar:

NM_006420.3(ARFGEF2):c.3107T>C (p.Met1036Thr)

Gene: ARFGEF2 (ARF guanine nucleotide exchange factor 2; plus strand). Cytogenetic location: 20q13.13.
Variant type: single nucleotide variant.
Coding change: c.3107T>C on transcript NM_006420.3 (MANE Select); coding-DNA position 3107, T replaced by C.
Protein change: p.Met1036Thr; replaces methionine 1036 with threonine.
Molecular consequence: missense variant.
Genome position (GRCh38, 1-based): chr20:48,994,584, T>C. VCF-style: chr20-48994584-T-C. GRCh37 (hg19) VCF-style: chr20-47611121-T-C.
Other names: short protein forms M1036T.
Identifiers: ClinVar variation 432568 (VCV000432568.3), dbSNP rs758124206, ClinGen allele CA9898820.
Genomic context (GRCh38, chr20:48,994,584, plus strand): 5'-GATCTGGGCGTGAAAGAGAAGGGAGCCTGAAGGGCCACACATTGGCAGGAGAAGAGTTCA[T>C]GGGCCTTGGCCTCGGTAAGACACCAGGCCCCACAGCTAACAGTCACGGATTTGCAAGCTA-3'
Protein context (NP_006411.2, residues 1026-1046): KGHTLAGEEF[Met1036Thr]GLGLGNLVSG

ClinVar aggregate classification (germline): Uncertain significance (1 of 4 stars; one submission).

Allele frequency attached by ClinVar (database versions not stated): gnomAD exomes 0.00001; ExAC 0.00001; TOPMed 0.00005; gnomAD 0.00005.

Submission:

GeneDx
Classification: Uncertain significance. Last evaluated: 2023-02-15. Review status: criteria provided, single submitter. Criteria: GeneDx Variant Classification Process June 2021. Collection method: clinical testing. Allele origin: germline. Affected: yes.
Comment: Not observed at significant frequency in large population cohorts (gnomAD); In silico analysis supports that this missense variant does not alter protein structure/function; Has not been previously published as pathogenic or benign to our knowledge